The following is an entry in ClinVar:

ClinVar aggregate classification (germline): Likely benign (1 of 4 stars; one submission).

Allele frequency attached by ClinVar (database versions not stated): gnomAD 0.01420 and 0.02160; TOPMed 0.01914; 1000 Genomes Project 30x 0.08604; 1000 Genomes Project 0.09425.
gnomAD v4.1: 3,346 of 152,302 alleles (2.2%); highest among the groups gnomAD compares: East Asian, 31%; 339 homozygotes.

Submission:

GeneDx
Classification: Likely benign. Last evaluated: 2018-06-19. Review status: criteria provided, single submitter. Criteria: GeneDx Variant Classification (06012015). Collection method: clinical testing. Allele origin: germline. Affected: yes.
Comment: This variant is considered likely benign or benign based on one or more of the following criteria: it is a conservative change, it occurs at a poorly conserved position in the protein, it is predicted to be benign by multiple in silico algorithms, and/or has population frequency not consistent with disease.

NM_024312.5(GNPTAB):c.3603-239T>C

Gene: GNPTAB (N-acetylglucosamine-1-phosphate transferase subunits alpha and beta; minus strand). Cytogenetic location: 12q23.2.
Variant type: single nucleotide variant.
Coding change: c.3603-239T>C on transcript NM_024312.5 (MANE Select); 239 bases into the intron before coding-DNA position 3603, T replaced by C.
Molecular consequence: intron variant.
Genome position (GRCh38, 1-based): chr12:101,749,430, A>G on the plus strand (T>C on the coding strand, the complement: GNPTAB is on the minus strand). VCF-style: chr12-101749430-A-G. GRCh37 (hg19) VCF-style: chr12-102143208-A-G.
Identifiers: ClinVar variation 674250 (VCV000674250.1), dbSNP rs11110994, ClinGen allele CA15746444.